The following is an entry in ClinVar:

ClinVar aggregate classification (germline): Likely benign (1 of 4 stars; one submission).

Allele frequency attached by ClinVar (database versions not stated): gnomAD exomes 0.00005; 1000 Genomes Project 30x 0.00016; ExAC 0.00019; ESP Exome Variant Server 0.00025; gnomAD 0.00056; TOPMed 0.00066.

Submission:

CeGaT Center for Human Genetics Tuebingen
Classification: Likely benign. Last evaluated: 2022-10-01. Review status: criteria provided, single submitter. Criteria: CeGaT Center For Human Genetics Tuebingen Variant Classification Criteria Version 2. Collection method: clinical testing. Allele origin: germline. Affected: yes. Observed: 1 variant allele.
Comment: SCN7A: BP4, BP7

NM_002976.4(SCN7A):c.558C>T (p.Ser186=)

Gene: SCN7A (sodium voltage-gated channel alpha subunit 7; minus strand). Cytogenetic location: 2q24.3.
Variant type: single nucleotide variant.
Coding change: c.558C>T on transcript NM_002976.4 (MANE Select); coding-DNA position 558, C replaced by T.
Protein change: p.Ser186=; no amino-acid change (serine 186 retained).
Molecular consequence: synonymous variant. On other transcripts: non-coding transcript variant (1).
Genome position (GRCh38, 1-based): chr2:166,472,331, G>A on the plus strand (C>T on the coding strand, the complement: SCN7A is on the minus strand). VCF-style: chr2-166472331-G-A. GRCh37 (hg19) VCF-style: chr2-167328841-G-A.
Identifiers: ClinVar variation 2651511 (VCV002651511.24), dbSNP rs373006928, ClinGen allele CA1945924.